The following is an entry in ClinVar:

NM_001372066.1(TFAP2A):c.23C>T (p.Thr8Met)

Genes: TFAP2A (transcription factor AP-2 alpha; minus strand), TFAP2A-AS1 (TFAP2A antisense RNA 1; plus strand). Cytogenetic location: 6p24.3.
Variant type: single nucleotide variant.
Coding change: c.23C>T on transcript NM_001372066.1 (MANE Select); coding-DNA position 23, C replaced by T.
Protein change: p.Thr8Met; replaces threonine 8 with methionine.
Molecular consequence: missense variant. On other transcripts: non-coding transcript variant (1), intron variant (1).
Genome position (GRCh38, 1-based): chr6:10,414,969, G>A on the plus strand (C>T on the coding strand, the complement: TFAP2A is on the minus strand). VCF-style: chr6-10414969-G-A. GRCh37 (hg19) VCF-style: chr6-10415202-G-A.
Other names: c.33+4449C>T (NM_001042425.3); short protein forms T8M.
Identifiers: ClinVar variation 2413670 (VCV002413670.5), dbSNP rs1472670698, ClinGen allele CA362706214.

ClinVar aggregate classification (germline): Uncertain significance (1 of 4 stars; one submission).

Allele frequency attached by ClinVar (database versions not stated): gnomAD exomes 0.00001.
gnomAD v4.1: 21 of 1,614,102 alleles (0.0013%); highest among the groups gnomAD compares: Non-Finnish European, 0.0017%; no homozygotes.

Submission:

Labcorp Genetics (formerly Invitae), Labcorp
Classification: Uncertain significance. Last evaluated: 2025-02-17. Review status: criteria provided, single submitter. Criteria: Invitae Variant Classification Sherloc (09022015). Collection method: clinical testing. Allele origin: germline.
Comment: This sequence change replaces threonine, which is neutral and polar, with methionine, which is neutral and non-polar, at codon 6 of the TFAP2A protein (p.Thr6Met). This variant is present in population databases (no rsID available, gnomAD 0.0009%). This variant has not been reported in the literature in individuals affected with TFAP2A-related conditions. ClinVar contains an entry for this variant (Variation ID: 2413670). An algorithm developed to predict the effect of missense changes on protein structure and function (PolyPhen-2) suggests that this variant is likely to be tolerated. In summary, the available evidence is currently insufficient to determine the role of this variant in disease. Therefore, it has been classified as a Variant of Uncertain Significance.